The following is an entry in ClinVar:

ClinVar aggregate classification (germline): Uncertain significance. Review status: criteria provided, multiple submitters, no conflicts (2 of 4 stars). 3 submissions from 3 submitters: Uncertain significance (3). Last evaluated 2022-04-04.

Conditions:
Carnitine palmitoyl transferase 1A deficiency. Also called: CPT I DEFICIENCY; CPT DEFICIENCY, HEPATIC, TYPE I; Carnitine palmitoyltransferase 1A deficiency; Carnitine palmitoyltransferase type I deficiency; CPT deficiency, hepatic, type IA. Identifiers: Orphanet 156, MedGen C1829703, MONDO:0009705, OMIM 255120.

Allele frequency attached by ClinVar (database versions not stated): gnomAD 0.00001.

Submissions (3):

Labcorp Genetics (formerly Invitae), Labcorp
Classification: Uncertain significance for Carnitine palmitoyl transferase 1A deficiency. Last evaluated: 2022-04-04. Review status: criteria provided, single submitter. Criteria: Invitae Variant Classification Sherloc (09022015). Collection method: clinical testing. Allele origin: germline.
Comment: This sequence change replaces arginine, which is basic and polar, with cysteine, which is neutral and slightly polar, at codon 295 of the CPT1A protein (p.Arg295Cys). The frequency data for this variant in the population databases is considered unreliable, as metrics indicate poor data quality at this position in the gnomAD database. This variant has not been reported in the literature in individuals affected with CPT1A-related conditions. Algorithms developed to predict the effect of missense changes on protein structure and function output the following: SIFT: "Tolerated"; PolyPhen-2: "Benign"; Align-GVGD: "Class C0". The cysteine amino acid residue is found in multiple mammalian species, which suggests that this missense change does not adversely affect protein function. In summary, the available evidence is currently insufficient to determine the role of this variant in disease. Therefore, it has been classified as a Variant of Uncertain Significance.

GeneDx
Classification: Uncertain significance. Last evaluated: 2021-06-07. Review status: criteria provided, single submitter. Criteria: GeneDx Variant Classification Process June 2021. Collection method: clinical testing. Allele origin: germline. Affected: yes.
Comment: Has not been previously published as pathogenic or benign to our knowledge; Not observed at significant frequency in large population cohorts (gnomAD); In silico analysis supports that this missense variant has a deleterious effect on protein structure/function; Missense variants in this gene are often considered pathogenic (HGMD); This variant is associated with the following publications: (PMID: 27535533)

Revvity Omics, Revvity
Classification: Uncertain significance for Carnitine palmitoyl transferase 1A deficiency. Last evaluated: 2019-12-05. Review status: criteria provided, single submitter. Criteria: ACMG Guidelines, 2015. Collection method: clinical testing. Allele origin: germline.

NM_001876.4(CPT1A):c.883C>T (p.Arg295Cys)

Gene: CPT1A (carnitine palmitoyltransferase 1A; minus strand). Cytogenetic location: 11q13.3.
Variant type: single nucleotide variant.
Coding change: c.883C>T on transcript NM_001876.4 (MANE Select); coding-DNA position 883, C replaced by T.
Protein change: p.Arg295Cys; replaces arginine 295 with cysteine.
Molecular consequence: missense variant.
Genome position (GRCh38, 1-based): chr11:68,793,399, G>A on the plus strand (C>T on the coding strand, the complement: CPT1A is on the minus strand). VCF-style: chr11-68793399-G-A. GRCh37 (hg19) VCF-style: chr11-68560867-G-A.
Other names: c.883C>T, p.Arg295Cys (NM_001031847.3); short protein forms R295C.
Identifiers: ClinVar variation 1693056 (VCV001693056.6), dbSNP rs780487379, ClinGen allele CA381634307.